The following is an entry in ClinVar:

ClinVar aggregate classification (germline): Uncertain significance (1 of 4 stars; one submission).

Conditions:
Hereditary diffuse gastric adenocarcinoma (HDGC). Also called: DIFFUSE GASTRIC AND LOBULAR BREAST CANCER SYNDROME. Identifiers: Orphanet 26106, MedGen C1708349, MONDO:0007648, OMIM 137215.

Allele frequency attached by ClinVar (database versions not stated): gnomAD exomes below 0.00001 and 0.00001.
gnomAD v4.1: 1 of 1,532,984 alleles (0.000065%); highest among the groups gnomAD compares: Non-Finnish European, 0.000088%; no homozygotes.

Submission:

Labcorp Genetics (formerly Invitae), Labcorp
Classification: Uncertain significance for Hereditary diffuse gastric adenocarcinoma. Last evaluated: 2018-09-03. Review status: criteria provided, single submitter. Criteria: Invitae Variant Classification Sherloc (09022015). Collection method: clinical testing. Allele origin: germline.
Comment: In summary, the available evidence is currently insufficient to determine the role of this variant in disease. Therefore, it has been classified as a Variant of Uncertain Significance. Nucleotide substitutions within the consensus splice site are a relatively common cause of aberrant splicing (PMID: 17576681, 9536098). Algorithms developed to predict the effect of sequence changes on RNA splicing suggest that this variant is not likely to affect RNA splicing, but this prediction has not been confirmed by published transcriptional studies. This variant has not been reported in the literature in individuals with CDH1-related disease. This variant is not present in population databases (ExAC no frequency). This sequence change falls in intron 2 of the CDH1 gene. It does not directly change the encoded amino acid sequence of the CDH1 protein, but it affects a nucleotide within the consensus splice site of the intron.

Literature cited by the submitters: PubMed 17576681; PubMed 9536098.

NM_004360.5(CDH1):c.163+6G>A

Gene: CDH1 (cadherin 1; plus strand). Cytogenetic location: 16q22.1.
Variant type: single nucleotide variant.
Coding change: c.163+6G>A on transcript NM_004360.5 (MANE Select); 6 bases into the intron after coding-DNA position 163, G replaced by A.
Molecular consequence: intron variant.
Genome position (GRCh38, 1-based): chr16:68,738,417, G>A. VCF-style: chr16-68738417-G-A. GRCh37 (hg19) VCF-style: chr16-68772320-G-A.
Other names: c.-1453+6G>A (NM_001317185.2); c.-1657+6G>A (NM_001317186.2); c.163+6G>A (NM_001317184.2, LRG_301t1).
Identifiers: ClinVar variation 650206 (VCV000650206.9), dbSNP rs1436334058, ClinGen allele CA623140113.